The following is an entry in ClinVar:

ClinVar aggregate classification (germline): Uncertain significance (1 of 4 stars; one submission).

Allele frequency attached by ClinVar (database versions not stated): TOPMed 0.00003; gnomAD 0.00004; ExAC 0.00005.
gnomAD v4.1: 22 of 1,583,736 alleles (0.0014%); highest among the groups gnomAD compares: Admixed American, 0.0084%; no homozygotes.

Submission:

Labcorp Genetics (formerly Invitae), Labcorp
Classification: Uncertain significance. Last evaluated: 2024-04-22. Review status: criteria provided, single submitter. Criteria: Invitae Variant Classification Sherloc (09022015). Collection method: clinical testing. Allele origin: germline.
Comment: This sequence change falls in intron 25 of the HMCN1 gene. It does not directly change the encoded amino acid sequence of the HMCN1 protein. It affects a nucleotide within the consensus splice site. This variant is present in population databases (rs772549837, gnomAD 0.01%). This variant has not been reported in the literature in individuals affected with HMCN1-related conditions. ClinVar contains an entry for this variant (Variation ID: 1989681). Variants that disrupt the consensus splice site are a relatively common cause of aberrant splicing (PMID: 17576681, 9536098). Algorithms developed to predict the effect of sequence changes on RNA splicing suggest that this variant is not likely to affect RNA splicing. In summary, the available evidence is currently insufficient to determine the role of this variant in disease. Therefore, it has been classified as a Variant of Uncertain Significance.

Literature cited by the submitters: PubMed 17576681; PubMed 9536098.

NM_031935.3(HMCN1):c.3874+4C>T

Gene: HMCN1 (hemicentin 1; plus strand). Cytogenetic location: 1q31.1.
Variant type: single nucleotide variant.
Coding change: c.3874+4C>T on transcript NM_031935.3 (MANE Select); 4 bases into the intron after coding-DNA position 3874, C replaced by T.
Molecular consequence: intron variant.
Genome position (GRCh38, 1-based): chr1:185,997,528, C>T. VCF-style: chr1-185997528-C-T. GRCh37 (hg19) VCF-style: chr1-185966660-C-T.
Identifiers: ClinVar variation 1989681 (VCV001989681.4), dbSNP rs772549837, ClinGen allele CA1291835.
Genomic context (GRCh38, chr1:185,997,528, plus strand): 5'-CTACTTTCCAAGAAAGAGTGGCCAATCAACGCATTGAATTTCCATGTCCTGCAAAAGGTA[C>T]GTAATACTGAAAGATATAGGCATTGGCATAATGTTATATGGTTTCAGAATGCTATATTGA-3'